The following is an entry in ClinVar:

ClinVar aggregate classification (germline): Uncertain significance (1 of 4 stars; one submission).

Allele frequency attached by ClinVar (database versions not stated): gnomAD exomes below 0.00001 and 0.00001; ExAC 0.00001; gnomAD 0.00001; TOPMed 0.00002.

Submission:

Labcorp Genetics (formerly Invitae), Labcorp
Classification: Uncertain significance. Last evaluated: 2023-09-08. Review status: criteria provided, single submitter. Criteria: Invitae Variant Classification Sherloc (09022015). Collection method: clinical testing. Allele origin: germline.
Comment: This sequence change replaces arginine, which is basic and polar, with tryptophan, which is neutral and slightly polar, at codon 254 of the CARD8 protein (p.Arg254Trp). This variant is present in population databases (rs770885397, gnomAD 0.0009%). This variant has not been reported in the literature in individuals affected with CARD8-related conditions. ClinVar contains an entry for this variant (Variation ID: 1363873). An algorithm developed to predict the effect of missense changes on protein structure and function (PolyPhen-2) suggests that this variant is likely to be tolerated. In summary, the available evidence is currently insufficient to determine the role of this variant in disease. Therefore, it has been classified as a Variant of Uncertain Significance.

NM_001184900.3(CARD8):c.910C>T (p.Arg304Trp)

Gene: CARD8 (caspase recruitment domain family member 8; minus strand). Cytogenetic location: 19q13.33.
Variant type: single nucleotide variant.
Coding change: c.910C>T on transcript NM_001184900.3 (MANE Select); coding-DNA position 910, C replaced by T.
Protein change: p.Arg304Trp; replaces arginine 304 with tryptophan.
Molecular consequence: missense variant. On other transcripts: non-coding transcript variant (4).
Genome position (GRCh38, 1-based): chr19:48,230,563, G>A on the plus strand (C>T on the coding strand, the complement: CARD8 is on the minus strand). VCF-style: chr19-48230563-G-A. GRCh37 (hg19) VCF-style: chr19-48733820-G-A.
Other names: c.760C>T, p.Arg254Trp (NM_001184901.1, NM_001351783.2, NM_001351788.2 and 2 more transcripts); c.910C>T, p.Arg304Trp (NM_001184902.2, NM_001184903.1, NM_001351782.2); c.595C>T, p.Arg199Trp (NM_001351784.2, NM_001351787.2, NM_001351791.2 and 1 more transcripts); c.574C>T, p.Arg192Trp (NM_001351786.2); c.667C>T, p.Arg223Trp (NM_001351790.2); c.592C>T, p.Arg198Trp (NM_001365950.1); short protein forms R192W, R199W, R254W, R304W, R198W, R223W.
Identifiers: ClinVar variation 1363873 (VCV001363873.8), dbSNP rs770885397, ClinGen allele CA9547878.